The following is an entry in ClinVar:

ClinVar aggregate classification (germline): Uncertain significance (1 of 4 stars; one submission).

Conditions:
3-Methylglutaconic aciduria type 2 (BTHS). Also called: Barth syndrome; CARDIOSKELETAL MYOPATHY WITH NEUTROPENIA AND ABNORMAL MITOCHONDRIA. Identifiers: Orphanet 111, MedGen C0574083, MONDO:0010543, OMIM 302060.

Submission:

Labcorp Genetics (formerly Invitae), Labcorp
Classification: Uncertain significance for 3-Methylglutaconic aciduria type 2. Last evaluated: 2022-05-01. Review status: criteria provided, single submitter. Criteria: Invitae Variant Classification Sherloc (09022015). Collection method: clinical testing. Allele origin: germline.
Comment: In summary, the available evidence is currently insufficient to determine the role of this variant in disease. Therefore, it has been classified as a Variant of Uncertain Significance. Algorithms developed to predict the effect of sequence changes on RNA splicing suggest that this variant may disrupt the consensus splice site. This variant has not been reported in the literature in individuals affected with TAZ-related conditions. This variant is not present in population databases (gnomAD no frequency). This sequence change falls in intron 5 of the TAZ gene. It does not directly change the encoded amino acid sequence of the TAZ protein.

NM_000116.5(TAFAZZIN):c.461-10_461-5del

Gene: TAFAZZIN (tafazzin, phospholipid-lysophospholipid transacylase; plus strand). Cytogenetic location: Xq28.
Variant type: Deletion.
Coding change: c.461-10_461-5del on transcript NM_000116.5 (MANE Select); 10 bases into the intron before coding-DNA position 461 through 5 bases into the intron before coding-DNA position 461, 6 bases deleted (TTCCTT; older notation c.461-10_461-5delTTCCTT).
Molecular consequence: intron variant.
Genome position (GRCh38, 1-based): chrX:154,419,533-154,419,538, TTCCTT deleted; deleting any 6 consecutive bases within chrX:154,419,529-154,419,538 gives the same sequence; the c. name uses the placement nearest the transcript's 3' end. VCF-style (leftmost placement, unchanged base first): chrX-154419528-GCCTTTT-G. GRCh37 (hg19) VCF-style: chrX-153647867-GCCTTTT-G.
Other names: c.515-10_515-5del (NM_001303465.2); c.461-10_461-5del (NM_181312.4); c.371-10_371-5del (NM_181311.4, NM_181313.4).
Identifiers: ClinVar variation 2131525 (VCV002131525.4), dbSNP rs2522984405, ClinGen allele CA2580101811.
Genomic context (GRCh38, chrX:154,419,528, plus strand): 5'-TGTTGAGGGTAAGCTAACCTGTCACCCCACGCCCCCGAGAATGGTTACTGATAGGGAGAG[GCCTTTT>G]CCTTGCAGGAGATGGCGTCTACCAGAAGGGGATGGACTTCATTTTGGAGAAGCTCAACCA-3'